The following is an entry in ClinVar:

NM_000170.3(GLDC):c.2197G>T (p.Ala733Ser)

Gene: GLDC (glycine decarboxylase; minus strand). Cytogenetic location: 9p24.1.
Variant type: single nucleotide variant.
Coding change: c.2197G>T on transcript NM_000170.3 (MANE Select); coding-DNA position 2197, G replaced by T.
Protein change: p.Ala733Ser; replaces alanine 733 with serine.
Molecular consequence: missense variant.
Genome position (GRCh38, 1-based): chr9:6,556,158, C>A on the plus strand (G>T on the coding strand, the complement: GLDC is on the minus strand). VCF-style: chr9-6556158-C-A. GRCh37 (hg19) VCF-style: chr9-6556158-C-A.
Other names: short protein forms A733S.
Identifiers: ClinVar variation 1954102 (VCV001954102.5), dbSNP rs2129725849, ClinGen allele CA372881165.

ClinVar aggregate classification (germline): Likely pathogenic (1 of 4 stars; one submission).

Conditions:
Glycine encephalopathy. Also called: Non-ketotic hyperglycinemia; Nonketotic hyperglycinemia. Identifiers: Orphanet 407, MedGen C0751748, MONDO:0011612, HP:0008288.

Submission:

Labcorp Genetics (formerly Invitae), Labcorp
Classification: Likely pathogenic for Glycine encephalopathy. Last evaluated: 2024-08-05. Review status: criteria provided, single submitter. Criteria: Invitae Variant Classification Sherloc (09022015). Collection method: clinical testing. Allele origin: germline.
Comment: This sequence change replaces alanine, which is neutral and non-polar, with serine, which is neutral and polar, at codon 733 of the GLDC protein (p.Ala733Ser). This variant is not present in population databases (gnomAD no frequency). This variant has not been reported in the literature in individuals affected with GLDC-related conditions. ClinVar contains an entry for this variant (Variation ID: 1954102). Advanced modeling of protein sequence and biophysical properties (such as structural, functional, and spatial information, amino acid conservation, physicochemical variation, residue mobility, and thermodynamic stability) performed at Invitae indicates that this missense variant is expected to disrupt GLDC protein function with a positive predictive value of 80%. This variant disrupts the p.Ala733 amino acid residue in GLDC. Other variant(s) that disrupt this residue have been determined to be pathogenic (PMID: 27362913). This suggests that this residue is clinically significant, and that variants that disrupt this residue are likely to be disease-causing. In summary, the currently available evidence indicates that the variant is pathogenic, but additional data are needed to prove that conclusively. Therefore, this variant has been classified as Likely Pathogenic.

Literature cited by the submitters: PubMed 27362913.